The following is an entry in ClinVar:

ClinVar aggregate classification (germline): Benign/Likely benign. Review status: criteria provided, multiple submitters, no conflicts (2 of 4 stars). 6 submissions from 6 submitters: Benign (1); Likely benign (4). 1 of the submissions does not count toward it. Last evaluated 2026-07-01.

Conditions:
Inborn genetic diseases. Identifiers: MedGen C0950123, MeSH D030342.
Schinzel-Giedion syndrome (SGS). Identifiers: Orphanet 798, MedGen C0265227, MONDO:0010010, OMIM 269150.
Intellectual developmental disorder, autosomal dominant 29. Also called: SETBP1 Haploinsufficiency Disorder; Intellectual disability, autosomal dominant 29. Identifiers: Orphanet 436151, MedGen C4015141, MONDO:0014482, OMIM 616078.
SETBP1-related disorder. Also called: SETBP1-related condition; SETBP1-related disorders.

Allele frequency attached by ClinVar (database versions not stated): ExAC 0.00010; gnomAD exomes 0.00011 and 0.00012; ESP Exome Variant Server 0.00015; gnomAD 0.00019; TOPMed 0.00029.
gnomAD v4.1: 187 of 1,613,986 alleles (0.012%); highest among the groups gnomAD compares: African/African-American, 0.041%; no homozygotes.

Submissions (6):

CeGaT Center for Human Genetics Tuebingen
Classification: Likely benign. Last evaluated: 2026-07-01. Review status: criteria provided, single submitter. Criteria: CeGaT Center For Human Genetics Tuebingen Variant Classification Criteria Version 2. Collection method: clinical testing. Allele origin: germline. Affected: yes. Observed: 1 variant allele.
Comment: SETBP1: BP4

Labcorp Genetics (formerly Invitae), Labcorp
Classification: Benign. Last evaluated: 2026-01-26. Review status: criteria provided, single submitter. Criteria: Invitae Variant Classification Sherloc (09022015). Collection method: clinical testing. Allele origin: germline.

Ambry Genetics
Classification: Likely benign for Inborn genetic diseases. Last evaluated: 2023-11-14. Review status: criteria provided, single submitter. Criteria: Ambry Variant Classification Scheme 2023. Collection method: clinical testing. Allele origin: germline.

Fulgent Genetics
Classification: Likely benign for Schinzel-Giedion syndrome; Intellectual developmental disorder, autosomal dominant 29. Last evaluated: 2022-01-24. Review status: criteria provided, single submitter. Criteria: ACMG Guidelines, 2015. Collection method: clinical testing. Allele origin: unknown.

GeneDx
Classification: Likely benign. Last evaluated: 2020-09-19. Review status: criteria provided, single submitter. Criteria: GeneDx Variant Classification Process June 2021. Collection method: clinical testing. Allele origin: germline. Affected: yes.

PreventionGenetics, part of Exact Sciences
Classification: Likely benign for SETBP1-related condition. Last evaluated: 2024-08-23. Review status: no assertion criteria provided. Collection method: clinical testing. Allele origin: germline. Not counted in ClinVar's aggregate classification.
Comment: This variant is classified as likely benign based on ACMG/AMP sequence variant interpretation guidelines (Richards et al. 2015 PMID: 25741868, with internal and published modifications).

NM_015559.3(SETBP1):c.2062G>A (p.Val688Ile)

Gene: SETBP1 (SET binding protein 1; plus strand). Cytogenetic location: 18q12.3.
Variant type: single nucleotide variant.
Coding change: c.2062G>A on transcript NM_015559.3 (MANE Select); coding-DNA position 2062, G replaced by A.
Protein change: p.Val688Ile; replaces valine 688 with isoleucine.
Molecular consequence: missense variant.
Genome position (GRCh38, 1-based): chr18:44,951,402, G>A. VCF-style: chr18-44951402-G-A. GRCh37 (hg19) VCF-style: chr18-42531367-G-A.
Other names: c.2062G>A, p.Val688Ile (NM_001379141.1, NM_001379142.1); short protein forms V688I.
Identifiers: ClinVar variation 1188405 (VCV001188405.14), dbSNP rs370618204, ClinGen allele CA8945715.
Genomic context (GRCh38, chr18:44,951,402, plus strand): 5'-AAGATGAAGACACTCAAGAGGAAAAACATCTTGAATCAGATCTTGTCCTGTTCCAGCAGC[G>A]TTGCTCTGAAGGCAAAAGCTCCCCCAGAGACCAGCCCTGGGGCAGCAGCCATTGAAAGCA-3'
Protein context (NP_056374.2, residues 678-698): LNQILSCSSS[Val688Ile]ALKAKAPPET